The following is an entry in ClinVar:

NM_000492.4(CFTR):c.300_301del (p.Leu101fs)

Gene: CFTR (CF transmembrane conductance regulator; plus strand). Cytogenetic location: 7q31.2.
Variant type: Microsatellite.
Coding change: c.300_301del on transcript NM_000492.4 (MANE Select); coding-DNA positions 300 to 301, 2 bases deleted (CT; older notation c.300_301delCT).
Protein change: p.Leu101fs; shifts the reading frame from leucine 101.
Molecular consequence: frameshift variant.
Genome position (GRCh38, 1-based): chr7:117,530,925-117,530,926, CT deleted; deleting any 2 consecutive bases within chr7:117,530,921-117,530,926 gives the same sequence; the c. name uses the placement nearest the transcript's 3' end. VCF-style (leftmost placement, unchanged base first): chr7-117530920-CCT-C. GRCh37 (hg19) VCF-style: chr7-117170974-CCT-C.
Other names: short protein forms L101fs.
Identifiers: ClinVar variation 1069549 (VCV001069549.7), dbSNP rs2116669950, ClinGen allele CA2580617092.
Genomic context (GRCh38, chr7:117,530,920, plus strand): 5'-TAAATGAAATTTAATTTCTCTGTTTTTCCCCTTTTGTAGGAAGTCACCAAAGCAGTACAG[CCT>C]CTCTTACTGGGAAGAATCATAGCTTCCTATGACCCGGATAACAAGGAGGAACGCTCTATC-3'

ClinVar aggregate classification (germline): Pathogenic (1 of 4 stars; one submission).

Conditions:
Cystic fibrosis (CF). Also called: MUCOVISCIDOSIS. Identifiers: Orphanet 586, MedGen C0010674, MONDO:0009061, OMIM 219700. Disease mechanism: loss of function.

Submission:

Labcorp Genetics (formerly Invitae), Labcorp
Classification: Pathogenic for Cystic fibrosis. Last evaluated: 2020-07-13. Review status: criteria provided, single submitter. Criteria: Invitae Variant Classification Sherloc (09022015). Collection method: clinical testing. Allele origin: germline.
Comment: This sequence change creates a premature translational stop signal (p.Leu101Thrfs*9) in the CFTR gene. It is expected to result in an absent or disrupted protein product. This variant is not present in population databases (ExAC no frequency). This variant has not been reported in the literature in individuals with CFTR-related conditions. Loss-of-function variants in CFTR are known to be pathogenic (PMID: 1695717, 7691345, 9725922). For these reasons, this variant has been classified as Pathogenic.

Literature cited by the submitters: PubMed 1695717; PubMed 7691345; PubMed 9725922.